The following is an entry in ClinVar:

NM_004329.3(BMPR1A):c.730C>T (p.Arg244Ter)

Gene: BMPR1A (bone morphogenetic protein receptor type 1A; plus strand). Cytogenetic location: 10q23.2.
Variant type: single nucleotide variant.
Coding change: c.730C>T on transcript NM_004329.3 (MANE Select); coding-DNA position 730, C replaced by T.
Protein change: p.Arg244Ter; replaces arginine 244 with a stop codon.
Molecular consequence: nonsense.
Genome position (GRCh38, 1-based): chr10:86,917,188, C>T. VCF-style: chr10-86917188-C-T. GRCh37 (hg19) VCF-style: chr10-88676945-C-T.
Other names: short protein forms R244*.
Identifiers: ClinVar variation 421656 (VCV000421656.21), dbSNP rs759363072, ClinGen allele CA16619004.
Genomic context (GRCh38, chr10:86,917,188, plus strand): 5'-ATAAAGGTTCAGCGAACTATTGCCAAACAGATTCAGATGGTCCGGCAAGTTGGTAAAGGC[C>T]GATATGGAGAAGTATGGATGGGCAAATGGCGTGGCGAAAAAGTGGCGGTGAAAGTATTCT-3'

ClinVar aggregate classification (germline): Pathogenic. Review status: criteria provided, multiple submitters, no conflicts (2 of 4 stars). 5 submissions from 5 submitters: Pathogenic (5). Last evaluated 2026-04-08.

Conditions:
Hereditary cancer-predisposing syndrome. Also called: Hereditary Cancer Syndrome; Tumor predisposition; Hereditary neoplastic syndrome; Neoplastic Syndromes, Hereditary. Identifiers: Orphanet 140162, MedGen C0027672, MeSH D009386, MONDO:0015356.
Juvenile polyposis syndrome (JPS). Identifiers: Orphanet 2929, MedGen C0345893, MONDO:0017380, OMIM 174900.

gnomAD v4.1: 1 of 1,613,890 alleles (0.000062%); highest among the groups gnomAD compares: Non-Finnish European, 0.000085%; no homozygotes.

Submissions (5):

Ambry Genetics
Classification: Pathogenic for Hereditary cancer-predisposing syndrome. Last evaluated: 2026-04-08. Review status: criteria provided, single submitter. Criteria: Ambry Variant Classification Scheme 2023. Collection method: clinical testing. Allele origin: germline.
Comment: The p.R244* pathogenic mutation (also known as c.730C>T), located in coding exon 7 of the BMPR1A gene, results from a C to T substitution at nucleotide position 730. This changes the amino acid from an arginine to a stop codon within coding exon 7. This variant is considered to be rare based on population cohorts in the Genome Aggregation Database (gnomAD). This alteration is expected to result in loss of function by premature protein truncation or nonsense-mediated mRNA decay. As such, this alteration is interpreted as a disease-causing mutation.

Labcorp Genetics (formerly Invitae), Labcorp
Classification: Pathogenic for Juvenile polyposis syndrome. Last evaluated: 2025-05-07. Review status: criteria provided, single submitter. Criteria: Invitae Variant Classification Sherloc (09022015). Collection method: clinical testing. Allele origin: germline.
Comment: This sequence change creates a premature translational stop signal (p.Arg244*) in the BMPR1A gene. It is expected to result in an absent or disrupted protein product. Loss-of-function variants in BMPR1A are known to be pathogenic (PMID: 11536076, 12417513). This variant is not present in population databases (gnomAD no frequency). This variant has not been reported in the literature in individuals affected with BMPR1A-related conditions. ClinVar contains an entry for this variant (Variation ID: 421656). For these reasons, this variant has been classified as Pathogenic.

GeneDx
Classification: Pathogenic. Last evaluated: 2025-04-02. Review status: criteria provided, single submitter. Criteria: GeneDx Variant Classification Process June 2021. Collection method: clinical testing. Allele origin: germline. Affected: yes.
Comment: Nonsense variant predicted to result in protein truncation or nonsense mediated decay in a gene for which loss of function is a known mechanism of disease; Not observed at significant frequency in large population cohorts (gnomAD); Observed in an individual with colorectal and breast cancer who also harbored a truncating variant in PMS2 (PMID: 29909963); This variant is associated with the following publications: (PMID: 12417513, 11536076, 29909963, 32581362, 38940262)

Quest Diagnostics Nichols Institute San Juan Capistrano
Classification: Pathogenic. Last evaluated: 2018-12-24. Review status: criteria provided, single submitter. Criteria: Quest Diagnostics criteria. Collection method: clinical testing. Allele origin: germline.
Comment: The variant creates a premature nonsense codon, and is therefore predicted to result in the loss of a functional protein. Found in at least one symptomatic patient, and not found in general population data.

Academic Department of Medical Genetics, University of Cambridge
Classification: Pathogenic for Hereditary cancer-predisposing syndrome. Last evaluated: 2018-01-26. Review status: criteria provided, single submitter. Criteria: ACMG Guidelines, 2015. Collection method: research. Allele origin: germline. Affected: yes. Observed: 1 heterozygote.
Comment: Application of AMCG guidelines 2015. Used other ClinVar submission evidence where relevant. Loss of heterozygosity in tumours or immunohistochemistry abnormalities considered functional evidence of pathogenicity.

Identified as part of research study of individuals with multiple primary tumours referred for genetic assessment

Literature cited by the submitters: PubMed 11536076 (cited by Labcorp Genetics (formerly Invitae), Labcorp); PubMed 12417513 (cited by Labcorp Genetics (formerly Invitae), Labcorp); PubMed 29909963 (cited by Quest Diagnostics Nichols Institute San Juan Capistrano).